The following is an entry in ClinVar:

NM_001927.4(DES):c.425G>C (p.Arg142Pro)

Gene: DES (desmin; plus strand). Cytogenetic location: 2q35.
Variant type: single nucleotide variant.
Coding change: c.425G>C on transcript NM_001927.4 (MANE Select); coding-DNA position 425, G replaced by C.
Protein change: p.Arg142Pro; replaces arginine 142 with proline.
Molecular consequence: missense variant.
Genome position (GRCh38, 1-based): chr2:219,418,887, G>C. VCF-style: chr2-219418887-G-C. GRCh37 (hg19) VCF-style: chr2-220283609-G-C.
Other names: c.425G>C, p.Arg142Pro (NM_001382708.1, NM_001382709.1, NM_001382710.1 and 3 more transcripts); short protein forms R142P.
Identifiers: ClinVar variation 1739162 (VCV001739162.6), dbSNP rs1954376103, ClinGen allele CA350686075.
Genomic context (GRCh38, chr2:219,418,887, plus strand): 5'-ACATCGAGAAGGTGCGCTTCCTGGAGCAGCAGAACGCGGCGCTCGCCGCCGAAGTGAACC[G>C]GCTCAAGGGCCGCGAGCCGACGCGAGTGGCCGAGCTCTACGAGGAGGAGCTGCGGGAGCT-3'
Protein context (NP_001918.3, residues 132-152): QNAALAAEVN[Arg142Pro]LKGREPTRVA

ClinVar aggregate classification (germline): Uncertain significance. Review status: criteria provided, multiple submitters, no conflicts (2 of 4 stars). 3 submissions from 3 submitters: Uncertain significance (3). Last evaluated 2025-05-03.

Conditions:
Desmin-related myofibrillar myopathy (MFM1). Also called: Myofibrillar myopathy 1; Desminopathy; Desmin related myopathy (former name); Desmin storage myopathy (former name); MYOFIBRILLAR MYOPATHY WITH ARRHYTHMOGENIC RIGHT VENTRICULAR CARDIOMYOPATHY; DESMIN-RELATED MYOPATHY WITH ARRHYTHMOGENIC RIGHT VENTRICULAR CARDIOMYOPATHY. Identifiers: Orphanet 363543, Orphanet 98909, MedGen C1832370, MONDO:0011076, OMIM 601419.
Cardiovascular phenotype. Identifiers: MedGen CN230736.

Submissions (3):

GeneDx
Classification: Uncertain significance. Last evaluated: 2025-05-03. Review status: criteria provided, single submitter. Criteria: GeneDx Variant Classification Process June 2021. Collection method: clinical testing. Allele origin: germline. Affected: yes.
Comment: Not observed at significant frequency in large population cohorts (gnomAD); In silico analysis supports that this missense variant has a deleterious effect on protein structure/function; Has not been previously published as pathogenic or benign to our knowledge; This variant is associated with the following publications: (PMID: 26807690)

Labcorp Genetics (formerly Invitae), Labcorp
Classification: Uncertain significance for Desmin-related myofibrillar myopathy. Last evaluated: 2023-08-11. Review status: criteria provided, single submitter. Criteria: Invitae Variant Classification Sherloc (09022015). Collection method: clinical testing. Allele origin: germline.
Comment: ClinVar contains an entry for this variant (Variation ID: 1739162). This variant has not been reported in the literature in individuals affected with DES-related conditions. This variant is not present in population databases (gnomAD no frequency). This sequence change replaces arginine, which is basic and polar, with proline, which is neutral and non-polar, at codon 142 of the DES protein (p.Arg142Pro). Advanced modeling of protein sequence and biophysical properties (such as structural, functional, and spatial information, amino acid conservation, physicochemical variation, residue mobility, and thermodynamic stability) has been performed at Invitae for this missense variant, however the output from this modeling did not meet the statistical confidence thresholds required to predict the impact of this variant on DES protein function. In summary, the available evidence is currently insufficient to determine the role of this variant in disease. Therefore, it has been classified as a Variant of Uncertain Significance.

Ambry Genetics
Classification: Uncertain significance for Cardiovascular phenotype. Last evaluated: 2022-09-05. Review status: criteria provided, single submitter. Criteria: Ambry Variant Classification Scheme 2023. Collection method: clinical testing. Allele origin: germline.
Comment: The p.R142P variant (also known as c.425G>C), located in coding exon 1 of the DES gene, results from a G to C substitution at nucleotide position 425. The arginine at codon 142 is replaced by proline, an amino acid with dissimilar properties. This amino acid position is conserved. In addition, the in silico prediction for this alteration is inconclusive. Since supporting evidence is limited at this time, the clinical significance of this alteration remains unclear.